The following is an entry in ClinVar:

ClinVar aggregate classification (germline): Benign/Likely benign. Review status: criteria provided, multiple submitters, no conflicts (2 of 4 stars). 4 submissions from 4 submitters: Benign (1); Likely benign (3). Last evaluated 2025-12-29.

Conditions:
Hereditary cancer-predisposing syndrome. Also called: Hereditary neoplastic syndrome; Tumor predisposition; Hereditary Cancer Syndrome; Neoplastic Syndromes, Hereditary. Identifiers: Orphanet 140162, MedGen C0027672, MeSH D009386, MONDO:0015356.
Oligodontia-cancer predisposition syndrome. Also called: TOOTH AGENESIS-COLORECTAL CANCER SYNDROME. Identifiers: Orphanet 300576, MedGen C1837750, MONDO:0012075, OMIM 608615. Disease mechanism: loss of function.

Allele frequency attached by ClinVar (database versions not stated): TOPMed 0.00002.

Submissions (4):

Labcorp Genetics (formerly Invitae), Labcorp
Classification: Likely benign for Oligodontia-cancer predisposition syndrome. Last evaluated: 2025-12-29. Review status: criteria provided, single submitter. Criteria: Invitae Variant Classification Sherloc (09022015). Collection method: clinical testing. Allele origin: germline.

Myriad Genetics, Inc.
Classification: Benign for Oligodontia-cancer predisposition syndrome. Last evaluated: 2024-06-26. Review status: criteria provided, single submitter. Criteria: Myriad Autosomal Dominant, Autosomal Recessive and X-Linked Classification Criteria (2023). Collection method: clinical testing. Allele origin: unknown.
Comment: This variant is considered benign. This variant is a silent/synonymous amino acid change and it is not expected to impact splicing.

Ambry Genetics
Classification: Likely benign for Hereditary cancer-predisposing syndrome. Last evaluated: 2021-03-31. Review status: criteria provided, single submitter. Criteria: Ambry Variant Classification Scheme 2023. Collection method: clinical testing. Allele origin: germline.

GeneDx
Classification: Likely benign. Last evaluated: 2019-04-15. Review status: criteria provided, single submitter. Criteria: GeneDx Variant Classification Process June 2021. Collection method: clinical testing. Allele origin: germline. Affected: yes.
Comment: Has not been previously published as pathogenic or benign to our knowledge

NM_004655.4(AXIN2):c.528C>T (p.Thr176=)

Gene: AXIN2 (axin 2; minus strand). Cytogenetic location: 17q24.1.
Variant type: single nucleotide variant.
Coding change: c.528C>T on transcript NM_004655.4 (MANE Select); coding-DNA position 528, C replaced by T.
Protein change: p.Thr176=; no amino-acid change (threonine 176 retained).
Molecular consequence: synonymous variant.
Genome position (GRCh38, 1-based): chr17:65,558,093, G>A on the plus strand (C>T on the coding strand, the complement: AXIN2 is on the minus strand). VCF-style: chr17-65558093-G-A. GRCh37 (hg19) VCF-style: chr17-63554211-G-A.
Other names: c.528C>T, p.Thr176= (NM_001363813.1).
Identifiers: ClinVar variation 729388 (VCV000729388.13), dbSNP rs781572220, ClinGen allele CA293107178.
Genomic context (GRCh38, chr17:65,558,093, plus strand): 5'-GTATATATCAGAAGTCAAAAACATCTGGTAGGCATTTTCCTCCATCACCGACTGGATCTC[G>A]GTCTGCGCCTGGTCAAACATGATGGAATCAATCTGCTGCTTCTTGATGCCATCTCTTATG-3'
Protein context (NP_004646.3, residues 166-186): IDSIMFDQAQ[Thr176=]EIQSVMEENA